The following is an entry in ClinVar:

ClinVar aggregate classification (germline): Likely benign (1 of 4 stars; one submission).

Conditions:
Long QT syndrome (LQTS). Identifiers: MedGen C0023976, MeSH D008133, MONDO:0002442. Disease mechanism: loss of function. Inheritance: Various modes of inheritance.

Allele frequency attached by ClinVar (database versions not stated): gnomAD exomes below 0.00001.
gnomAD v4.1: 1 of 1,613,840 alleles (0.000062%); highest among the groups gnomAD compares: Non-Finnish European, 0.000085%; no homozygotes.

Submission:

All of Us Research Program, National Institutes of Health
Classification: Likely benign for Long QT syndrome. Last evaluated: 2023-08-15. Review status: criteria provided, single submitter. Criteria: ACMG Guidelines, 2015. Collection method: clinical testing. Allele origin: germline. Inheritance: Autosomal dominant inheritance. Observed: 1 variant allele, 1 heterozygote.
Comment: This study involves interpretation of variants in research participants for the purpose of population health screening. Participant phenotype was not available at the time of variant classification. Additional details can be found in publication PMID: 35346344, PMCID: PMC8962531

NM_000218.3(KCNQ1):c.885G>A (p.Glu295=)

Gene: KCNQ1 (potassium voltage-gated channel subfamily Q member 1; plus strand). Cytogenetic location: 11p15.5.
Variant type: single nucleotide variant.
Coding change: c.885G>A on transcript NM_000218.3 (MANE Select); coding-DNA position 885, G replaced by A.
Protein change: p.Glu295=; no amino-acid change (glutamic acid 295 retained).
Molecular consequence: synonymous variant. On other transcripts: intron variant (1).
Genome position (GRCh38, 1-based): chr11:2,572,950, G>A. VCF-style: chr11-2572950-G-A. GRCh37 (hg19) VCF-style: chr11-2594180-G-A.
Other names: c.885G>A, p.Glu295= (NM_001406836.1); c.615G>A, p.Glu205= (NM_001406837.1); c.504G>A, p.Glu168= (NM_181798.2); c.478-10485G>A (NM_001406838.1).
Identifiers: ClinVar variation 3072808 (VCV003072808.1), dbSNP rs2493674204, ClinGen allele CA472038190.